The following is an entry in ClinVar:

ClinVar aggregate classification (germline): Uncertain significance (1 of 4 stars; one submission).

Submission:

Labcorp Genetics (formerly Invitae), Labcorp
Classification: Uncertain significance. Last evaluated: 2023-12-30. Review status: criteria provided, single submitter. Criteria: Invitae Variant Classification Sherloc (09022015). Collection method: clinical testing. Allele origin: germline.
Comment: This sequence change replaces serine, which is neutral and polar, with proline, which is neutral and non-polar, at codon 1167 of the ARID1A protein (p.Ser1167Pro). This variant is not present in population databases (gnomAD no frequency). This variant has not been reported in the literature in individuals affected with ARID1A-related conditions. Advanced modeling of protein sequence and biophysical properties (such as structural, functional, and spatial information, amino acid conservation, physicochemical variation, residue mobility, and thermodynamic stability) performed at Invitae indicates that this missense variant is not expected to disrupt ARID1A protein function with a negative predictive value of 80%. In summary, the available evidence is currently insufficient to determine the role of this variant in disease. Therefore, it has been classified as a Variant of Uncertain Significance.

NM_006015.6(ARID1A):c.3499T>C (p.Ser1167Pro)

Genes: ARID1A (AT-rich interaction domain 1A; plus strand), LOC126805670 (CDK7 strongly-dependent group 2 enhancer GRCh37_chr1:27098665-27099864; plus strand). Cytogenetic location: 1p36.11.
Variant type: single nucleotide variant.
Coding change: c.3499T>C on transcript NM_006015.6 (MANE Select); coding-DNA position 3499, T replaced by C.
Protein change: p.Ser1167Pro; replaces serine 1167 with proline.
Molecular consequence: missense variant.
Genome position (GRCh38, 1-based): chr1:26,772,592, T>C. VCF-style: chr1-26772592-T-C. GRCh37 (hg19) VCF-style: chr1-27099083-T-C.
Other names: c.3499T>C, p.Ser1167Pro (NM_139135.4); short protein forms S1167P.
Identifiers: ClinVar variation 2818093 (VCV002818093.3), dbSNP rs2521967715, ClinGen allele CA339166392.